The following is an entry in ClinVar:

NM_017934.7(PHIP):c.3656+1238_3656+1239dup

Genes: IRAK1BP1 (interleukin 1 receptor associated kinase 1 binding protein 1; plus strand), PHIP (PHIP subunit of CUL4-Ring ligase complex; minus strand). Cytogenetic location: 6q14.1.
Variant type: Duplication.
Coding change: c.3656+1238_3656+1239dup on transcript NM_017934.7 (MANE Select); bases 1238 to 1239 of the intron after coding-DNA position 3656, 2 bases duplicated (AA; older notation c.3656+1238_3656+1239dupAA).
Molecular consequence: intron variant.
Genome position (GRCh38, 1-based): chr6:78,960,451-78,960,452, TT duplicated on the plus strand (AA on the coding strand, the reverse complement: PHIP is on the minus strand); duplicating any 2 consecutive bases within chr6:78,960,451-78,960,466 gives the same sequence; the c. name uses the placement nearest the transcript's 3' end. VCF-style (leftmost placement, unchanged base first): chr6-78960450-C-CTT. GRCh37 (hg19) VCF-style: chr6-79670167-C-CTT.
Identifiers: ClinVar variation 3030238 (VCV003030238.3), dbSNP rs1208567579, ClinGen allele CA1090912831.

ClinVar aggregate classification (germline): Likely benign. Review status: criteria provided, single submitter (1 of 4 stars). 2 submissions from 2 submitters: Likely benign (1). 1 of the submissions does not count toward it. Last evaluated 2024-09-20.

Conditions:
PHIP-related disorder. Also called: PHIP-related disorders; PHIP-related condition.

Submissions (2):

Blueprint Genetics
Classification: Likely benign. Last evaluated: 2024-09-20. Review status: criteria provided, single submitter. Criteria: ACMG Guidelines, 2015. Collection method: clinical testing. Allele origin: germline.

PreventionGenetics, part of Exact Sciences
Classification: Likely benign for PHIP-related condition. Last evaluated: 2022-08-26. Review status: no assertion criteria provided. Collection method: clinical testing. Allele origin: germline. Not counted in ClinVar's aggregate classification.
Comment: This variant is classified as likely benign based on ACMG/AMP sequence variant interpretation guidelines (Richards et al. 2015 PMID: 25741868, with internal and published modifications).